The following is an entry in ClinVar:

ClinVar aggregate classification (germline): Uncertain significance (1 of 4 stars; one submission).

gnomAD v4.1: 1 of 1,613,870 alleles (0.000062%); highest among the groups gnomAD compares: African/African-American, 0.0013%; no homozygotes.

Submission:

Ambry Genetics
Classification: Uncertain significance. Last evaluated: 2024-08-23. Review status: criteria provided, single submitter. Criteria: Ambry Variant Classification Scheme 2023. Collection method: clinical testing. Allele origin: germline.
Comment: The p.G918R variant (also known as c.2752G>A), located in coding exon 17 of the MYOM1 gene, results from a G to A substitution at nucleotide position 2752. The glycine at codon 918 is replaced by arginine, an amino acid with dissimilar properties. This amino acid position is conserved. In addition, this alteration is predicted to be tolerated by in silico analysis. Based on the available evidence, the clinical significance of this variant remains unclear.

NM_003803.4(MYOM1):c.2752G>A (p.Gly918Arg)

Gene: MYOM1 (myomesin 1; minus strand). Cytogenetic location: 18p11.31.
Variant type: single nucleotide variant.
Coding change: c.2752G>A on transcript NM_003803.4 (MANE Select); coding-DNA position 2752, G replaced by A.
Protein change: p.Gly918Arg; replaces glycine 918 with arginine.
Molecular consequence: missense variant. On other transcripts: intron variant (1).
Genome position (GRCh38, 1-based): chr18:3,129,274, C>T on the plus strand (G>A on the coding strand, the complement: MYOM1 is on the minus strand). VCF-style: chr18-3129274-C-T. GRCh37 (hg19) VCF-style: chr18-3129272-C-T.
Other names: c.2506+2101G>A (NM_019856.2); short protein forms G918R.
Identifiers: ClinVar variation 3401849 (VCV003401849.1).
Genomic context (GRCh38, chr18:3,129,274, plus strand): 5'-CCCTTTCTCAACTCTCACCTCTGTCTGTCTTCTTTTTCAGGGGGTCAGACTTACTTTTCC[C>T]CTGAGGAGCCGCTTTCTGTGGTGGCGGGGTAAGCTCTTCCTGAACTGTTTCACTTACTTT-3'
Protein context (NP_003794.3, residues 908-928): TPPPQKAAPQ[Gly918Arg]KSKSDPLKKK